The following is an entry in ClinVar:

ClinVar aggregate classification (germline): Likely benign (1 of 4 stars; one submission).

gnomAD v4.1: 2 of 1,429,052 alleles (0.00014%); highest among the groups gnomAD compares: Non-Finnish European, 0.00018%; no homozygotes.

Submission:

CeGaT Center for Human Genetics Tuebingen
Classification: Likely benign. Last evaluated: 2025-12-01. Review status: criteria provided, single submitter. Criteria: CeGaT Center For Human Genetics Tuebingen Variant Classification Criteria Version 2. Collection method: clinical testing. Allele origin: germline. Affected: yes. Observed: 1 variant allele.
Comment: CACNA1A: BP4, BP7

NM_001127222.2(CACNA1A):c.7158C>T (p.Gly2386=)

Gene: CACNA1A (calcium voltage-gated channel subunit alpha1 A; minus strand). Cytogenetic location: 19p13.13.
Variant type: single nucleotide variant.
Coding change: c.7158C>T on transcript NM_001127222.2 (MANE Select); coding-DNA position 7158, C replaced by T.
Protein change: p.Gly2386=; no amino-acid change (glycine 2386 retained).
Molecular consequence: synonymous variant. On other transcripts: 3 prime UTR variant (3).
Genome position (GRCh38, 1-based): chr19:13,207,676, G>A on the plus strand (C>T on the coding strand, the complement: CACNA1A is on the minus strand). VCF-style: chr19-13207676-G-A. GRCh37 (hg19) VCF-style: chr19-13318490-G-A.
Other names: c.*370C>T (NM_000068.4, NM_001127221.2, NM_001174080.2); c.7176C>T, p.Gly2392= (NM_023035.3).
Identifiers: ClinVar variation 4681595 (VCV004681595.5).
Genomic context (GRCh38, chr19:13,207,676, plus strand): 5'-GTGCCGGGGACCCGGGGGCCCCTCGGACACGTGCGGGCCAGATGCCGGCCACCGGGCCCC[G>A]CCGTGTCGACAGGCCCTGGGGGACTCGCTCCGGGCCGGGCCTGGGACCCGCCTCTCCATC-3'
Protein context (NP_001120694.1, residues 2376-2396): RSESPRACRH[Gly2386=]GARWPASGPH